The following is an entry in ClinVar:

ClinVar aggregate classification (germline): Uncertain significance. Review status: criteria provided, multiple submitters, no conflicts (2 of 4 stars). 3 submissions from 3 submitters: Uncertain significance (3). Last evaluated 2025-08-09.

Conditions:
Inborn genetic diseases. Identifiers: MedGen C0950123, MeSH D030342.
Bronchiectasis with or without elevated sweat chloride 1 (BESC1). Also called: Cystic Fibrosis-Like Syndrome. Identifiers: Orphanet 60033, MedGen C2749757, MONDO:0008887, OMIM 211400.
Pseudohypoaldosteronism, type IB2, autosomal recessive (PHA1B2). Identifiers: MedGen C5774255, MONDO:0859317, OMIM 620125.
Liddle syndrome 1 (LIDLS1). Also called: PSEUDOALDOSTERONISM. Identifiers: Orphanet 526, MedGen CN031472, MONDO:0020607, OMIM 177200.

gnomAD v4.1: 138 of 1,614,110 alleles (0.0085%); highest among the groups gnomAD compares: Admixed American, 0.16%; no homozygotes.

Submissions (3):

Ambry Genetics
Classification: Uncertain significance for Inborn genetic diseases. Last evaluated: 2025-08-09. Review status: criteria provided, single submitter. Criteria: Ambry Variant Classification Scheme 2023. Collection method: clinical testing. Allele origin: germline.

Labcorp Genetics (formerly Invitae), Labcorp
Classification: Uncertain significance. Last evaluated: 2025-02-15. Review status: criteria provided, single submitter. Criteria: Invitae Variant Classification Sherloc (09022015). Collection method: clinical testing. Allele origin: germline.
Comment: This sequence change replaces alanine, which is neutral and non-polar, with threonine, which is neutral and polar, at codon 336 of the SCNN1B protein (p.Ala336Thr). This variant is present in population databases (rs200278167, gnomAD 0.09%). This variant has not been reported in the literature in individuals affected with SCNN1B-related conditions. ClinVar contains an entry for this variant (Variation ID: 3579982). Invitae Evidence Modeling of protein sequence and biophysical properties (such as structural, functional, and spatial information, amino acid conservation, physicochemical variation, residue mobility, and thermodynamic stability) has been performed for this missense variant. However, the output from this modeling did not meet the statistical confidence thresholds required to predict the impact of this variant on SCNN1B protein function. In summary, the available evidence is currently insufficient to determine the role of this variant in disease. Therefore, it has been classified as a Variant of Uncertain Significance.

Fulgent Genetics
Classification: Uncertain significance for Liddle syndrome 1; Bronchiectasis with or without elevated sweat chloride 1; Pseudohypoaldosteronism, type IB2, autosomal recessive. Last evaluated: 2024-05-02. Review status: criteria provided, single submitter. Criteria: ACMG Guidelines, 2015. Collection method: clinical testing. Allele origin: germline.

NM_000336.3(SCNN1B):c.1006G>A (p.Ala336Thr)

Gene: SCNN1B (sodium channel epithelial 1 subunit beta; plus strand). Cytogenetic location: 16p12.2.
Variant type: single nucleotide variant.
Coding change: c.1006G>A on transcript NM_000336.3 (MANE Select); coding-DNA position 1006, G replaced by A.
Protein change: p.Ala336Thr; replaces alanine 336 with threonine.
Molecular consequence: missense variant.
Genome position (GRCh38, 1-based): chr16:23,371,424, G>A. VCF-style: chr16-23371424-G-A. GRCh37 (hg19) VCF-style: chr16-23382745-G-A.
Other names: c.1006G>A (NM_000336.2); c.1006G>A, p.Ala336Thr (NM_001410900.1); short protein forms A336T.
Identifiers: ClinVar variation 3579982 (VCV003579982.4).
Genomic context (GRCh38, chr16:23,371,424, plus strand): 5'-GTCAGGCTGATGCTTCACGAGCAGAGGTCATACCCCTTCATCAGAGATGAGGGCATCTAC[G>A]CCATGTCGGGGACAGAGACGTCCATCGGGGTACTCGTGGTATGGCCGGAGCCCAAGGGCA-3'
Protein context (NP_000327.2, residues 326-346): YPFIRDEGIY[Ala336Thr]MSGTETSIGV